The following is an entry in ClinVar:

ClinVar aggregate classification (germline): Likely benign (0 of 4 stars; one submission).

Conditions:
MUC16-related disorder. Also called: MUC16-related condition.

Submission:

PreventionGenetics, part of Exact Sciences
Classification: Likely benign for MUC16-related condition. Last evaluated: 2019-10-28. Review status: no assertion criteria provided. Collection method: clinical testing. Allele origin: germline.
Comment: This variant is classified as likely benign based on ACMG/AMP sequence variant interpretation guidelines (Richards et al. 2015 PMID: 25741868, with internal and published modifications).

NM_001401501.2(MUC16):c.44277C>T (p.Ser14759=)

Gene: MUC16 (mucin 16, cell surface associated; minus strand). Cytogenetic location: 19p13.2.
Variant type: single nucleotide variant.
Coding change: c.44277C>T on transcript NM_001401501.2 (MANE Select); coding-DNA position 44277, C replaced by T.
Protein change: p.Ser14759=; no amino-acid change (serine 14759 retained).
Molecular consequence: synonymous variant.
Genome position (GRCh38, 1-based): chr19:8,882,332, G>A on the plus strand (C>T on the coding strand, the complement: MUC16 is on the minus strand). VCF-style: chr19-8882332-G-A. GRCh37 (hg19) VCF-style: chr19-8993008-G-A.
Other names: c.44703C>T, p.Ser14901= (NM_001414686.1); c.44157C>T, p.Ser14719= (NM_001414687.1); c.41751C>T, p.Ser13917= (NM_024690.2).
Identifiers: ClinVar variation 3055401 (VCV003055401.2), dbSNP rs28501217, ClinGen allele CA505283556.